The following is an entry in ClinVar:

NM_002617.4(PEX10):c.373C>T (p.Arg125Ter)

Gene: PEX10 (peroxisomal biogenesis factor 10; minus strand). Cytogenetic location: 1p36.32.
Variant type: single nucleotide variant.
Coding change: c.373C>T on transcript NM_002617.4 (MANE Select); coding-DNA position 373, C replaced by T.
Protein change: p.Arg125Ter; replaces arginine 125 with a stop codon.
Molecular consequence: nonsense. On other transcripts: 5 prime UTR variant (2), non-coding transcript variant (1).
Genome position (GRCh38, 1-based): chr1:2,408,679, G>A on the plus strand (C>T on the coding strand, the complement: PEX10 is on the minus strand). VCF-style: chr1-2408679-G-A. GRCh37 (hg19) VCF-style: chr1-2340118-G-A.
Other names: c.373C>T, p.Arg125Ter (NM_001374425.1, NM_153818.2); c.-60C>T (NM_001374426.1, NM_001374427.1); short protein forms R125*.
Identifiers: ClinVar variation 6772 (VCV000006772.13), dbSNP rs61750434, ClinGen allele CA118506.
Genomic context (GRCh38, chr1:2,408,679, plus strand): 5'-TCCAGCGCCGCGCCCCTGAGCAGCCACGCCCACCTGGCCCCAGGCTCCCCTGCAAGGGTC[G>A]CCCACTGTCGGGGTCAGCCTGCAGCTCCTGCTCCAGGGGGAGCAGGGCCTTGTCCAGCAG-3'

ClinVar aggregate classification (germline): Pathogenic/Likely pathogenic. Review status: criteria provided, multiple submitters, no conflicts (2 of 4 stars). 6 submissions from 6 submitters: Pathogenic (3); Likely pathogenic (1). 2 of the submissions do not count toward it. Last evaluated 2025-09-16.

Conditions:
Peroxisome biogenesis disorder 6A (Zellweger). Also called: Peroxisome biogenesis disorder 6A. Identifiers: Orphanet 912, MedGen C3553947, MONDO:0013936, OMIM 614870.
Peroxisome biogenesis disorder 6B (PBD6B). Identifiers: Orphanet 44, MedGen C3553948, MONDO:0013937, OMIM 614871.
Peroxisome biogenesis disorder, complementation group 7 (CG7). Also called: Peroxisome biogenesis disorder, complementation group B. Identifiers: MedGen C1864399.
Peroxisome biogenesis disorder. Identifiers: Orphanet 79189, MedGen C1832200, MONDO:0019234. Disease mechanism: loss of function.
Zellweger spectrum disorders (ZS). Also called: Zellweger Spectrum Disorder; Zellweger Spectrum; Zellweger syndrome; Zellweger Spectrum Disorder (ZSD). Identifiers: Orphanet 912, MedGen C0043459, MONDO:0019609.

Allele frequency attached by ClinVar (database versions not stated): gnomAD 0.00001; TOPMed 0.00001.
gnomAD v4.1: 2 of 1,612,386 alleles (0.00012%); highest among the groups gnomAD compares: African/African-American, 0.0013%; no homozygotes.

Submissions (6):

Labcorp Genetics (formerly Invitae), Labcorp
Classification: Pathogenic for Peroxisome biogenesis disorder, complementation group 7. Last evaluated: 2025-09-16. Review status: criteria provided, single submitter. Criteria: Invitae Variant Classification Sherloc (09022015). Collection method: clinical testing. Allele origin: germline.
Comment: This sequence change creates a premature translational stop signal (p.Arg125*) in the PEX10 gene. It is expected to result in an absent or disrupted protein product. Loss-of-function variants in PEX10 are known to be pathogenic (PMID: 9683594, 10862081, 21031596). This variant is not present in population databases (gnomAD no frequency). This premature translational stop signal has been observed in individual(s) with neonatal adrenoleukodystrophy (PMID: 9683594). ClinVar contains an entry for this variant (Variation ID: 6772). For these reasons, this variant has been classified as Pathogenic.

Natera, Inc.
Classification: Pathogenic for Zellweger syndrome. Last evaluated: 2025-07-17. Review status: criteria provided, single submitter. Criteria: Natera Variant Classification Schema (03/2026). Collection method: clinical testing. Allele origin: germline.
Comment: The c.373C>T variant in PEX10 is a nonsense variant predicted to introduce a stop codon at amino acid 125. This variant is expected to result in nonsense mediated decay, truncation, or a dysfunctional protein product. This variant is rare in the general population with a frequency below the threshold expected for the associated phenotype(s). This variant has been observed in one or more individuals affected with the associated recessive disease, as either homozygous or compound heterozygous with a second variant (PMID: 9683594). Given the available evidence, this variant is classified as Pathogenic.

Baylor Genetics
Classification: Pathogenic for Peroxisome biogenesis disorder 6A (Zellweger). Last evaluated: 2024-03-05. Review status: criteria provided, single submitter. Criteria: ACMG Guidelines, 2015. Collection method: clinical testing. Allele origin: unknown.

Women's Health and Genetics/Laboratory Corporation of America, LabCorp
Classification: Likely pathogenic for Peroxisome biogenesis disorder. Last evaluated: 2022-03-30. Review status: criteria provided, single submitter. Criteria: LabCorp Variant Classification Summary - May 2015. Collection method: clinical testing. Allele origin: germline.
Comment: Variant summary: PEX10 c.373C>T (p.Arg125X) results in a premature termination codon, predicted to cause a truncation of the encoded protein or absence of the protein due to nonsense mediated decay, which are commonly known mechanisms for disease. Truncations downstream of this position have been classified as pathogenic by our laboratory. The variant was absent in 245228 control chromosomes. c.373C>T has been reported in the literature in a compound heterozygous patient affected with neonatal adrenoleukodystrophy, which belongs to the Zellweger-syndrome disease spectrum (Warren_1998). Publications also reported experimental evidence evaluating an impact on protein function, and demonstrated that removal of the downstream protein region from Arg125 results in an inactive protein product (Warren_1998, Warren_2000). Two clinical diagnostic laboratories have submitted clinical-significance assessments for this variant to ClinVar after 2014, and classified the variant as pathogenic/likely pathogenic. Based on the evidence outlined above, the variant was classified as likely pathogenic.

Counsyl
Classification: Likely pathogenic for Peroxisome biogenesis disorder 6A (Zellweger); Peroxisome biogenesis disorder 6B. Last evaluated: 2017-11-15. Review status: no assertion criteria provided. Collection method: clinical testing. Allele origin: unknown. Not counted in ClinVar's aggregate classification.

OMIM
Classification: Pathogenic for PEROXISOME BIOGENESIS DISORDER 6B. Last evaluated: 1998-08-01. Review status: no assertion criteria provided. Collection method: literature only. Allele origin: germline. Not counted in ClinVar's aggregate classification.

Literature cited by the submitters: PubMed 9683594 (cited by 5 submitters); PubMed 10862081 (cited by 3 submitters); PubMed 21031596 (cited by Labcorp Genetics (formerly Invitae), Labcorp); PubMed 10527683 (cited by Women's Health and Genetics/Laboratory Corporation of America, LabCorp); PubMed 19127411 (cited by Women's Health and Genetics/Laboratory Corporation of America, LabCorp); PubMed 30640048 (cited by Women's Health and Genetics/Laboratory Corporation of America, LabCorp).